The following is an entry in ClinVar:

ClinVar aggregate classification (germline): Uncertain significance (1 of 4 stars; one submission).

Conditions:
Muscular dystrophy-dystroglycanopathy (congenital with brain and eye anomalies), type A, 7. Also called: Congenital muscular dystrophy-dystroglycanopathy with brain and eye anomalies, type A7; WALKER-WARBURG SYNDROME OR MUSCLE-EYE-BRAIN DISEASE, ISPD-RELATED. Identifiers: Orphanet 899, MedGen C3553330, MONDO:0013835, OMIM 614643.
Autosomal recessive limb-girdle muscular dystrophy type 2U. Also called: Muscular dystrophy-dystroglycanopathy (limb-girdle), type c, 7; MUSCULAR DYSTROPHY, LIMB-GIRDLE, TYPE 2U. Identifiers: Orphanet 352479, MedGen C5190987, MONDO:0014474, OMIM 616052.

Allele frequency attached by ClinVar (database versions not stated): gnomAD exomes below 0.00001.
gnomAD v4.1: 1 of 1,590,502 alleles (0.000063%); highest among the groups gnomAD compares: East Asian, 0.0023%; no homozygotes.

Submission:

Labcorp Genetics (formerly Invitae), Labcorp
Classification: Uncertain significance for Muscular dystrophy-dystroglycanopathy (congenital with brain and eye anomalies), type A, 7; Autosomal recessive limb-girdle muscular dystrophy type 2U. Last evaluated: 2019-04-12. Review status: criteria provided, single submitter. Criteria: Invitae Variant Classification Sherloc (09022015). Collection method: clinical testing. Allele origin: germline.
Comment: This sequence change replaces alanine with glycine at codon 225 of the ISPD protein (p.Ala225Gly). The alanine residue is highly conserved and there is a small physicochemical difference between alanine and glycine. This variant is not present in population databases (ExAC no frequency). This variant has not been reported in the literature in individuals with ISPD-related conditions. Algorithms developed to predict the effect of missense changes on protein structure and function (SIFT, PolyPhen-2, Align-GVGD) all suggest that this variant is likely to be disruptive, but these predictions have not been confirmed by published functional studies and their clinical significance is uncertain. In summary, the available evidence is currently insufficient to determine the role of this variant in disease. Therefore, it has been classified as a Variant of Uncertain Significance.

NM_001101426.4(CRPPA):c.674C>G (p.Ala225Gly)

Gene: CRPPA (CDP-L-ribitol pyrophosphorylase A; minus strand). Cytogenetic location: 7p21.2.
Variant type: single nucleotide variant.
Coding change: c.674C>G on transcript NM_001101426.4 (MANE Select); coding-DNA position 674, C replaced by G.
Protein change: p.Ala225Gly; replaces alanine 225 with glycine.
Molecular consequence: missense variant. On other transcripts: non-coding transcript variant (1), intron variant (1).
Genome position (GRCh38, 1-based): chr7:16,376,102, G>C on the plus strand (C>G on the coding strand, the complement: CRPPA is on the minus strand). VCF-style: chr7-16376102-G-C. GRCh37 (hg19) VCF-style: chr7-16415727-G-C.
Other names: c.674C>G, p.Ala225Gly (NM_001368197.1); c.534+29959C>G (NM_001101417.4); short protein forms A225G.
Identifiers: ClinVar variation 849536 (VCV000849536.10), dbSNP rs1786875241, ClinGen allele CA367001901.